The following is an entry in ClinVar:

NM_020297.4(ABCC9):c.1549A>T (p.Ser517Cys)

Gene: ABCC9 (ATP binding cassette subfamily C member 9; minus strand). Cytogenetic location: 12p12.1.
Variant type: single nucleotide variant.
Coding change: c.1549A>T on transcript NM_020297.4 (MANE Select); coding-DNA position 1549, A replaced by T.
Protein change: p.Ser517Cys; replaces serine 517 with cysteine.
Molecular consequence: missense variant.
Genome position (GRCh38, 1-based): chr12:21,906,195, T>A on the plus strand (A>T on the coding strand, the complement: ABCC9 is on the minus strand). VCF-style: chr12-21906195-T-A. GRCh37 (hg19) VCF-style: chr12-22059129-T-A.
Other names: c.1549A>T, p.Ser517Cys (NM_001377273.1, NM_005691.4); c.685A>T, p.Ser229Cys (NM_001377274.1); short protein forms S229C, S517C.
Identifiers: ClinVar variation 2784563 (VCV002784563.3), dbSNP rs2541628490, ClinGen allele CA384139209.

ClinVar aggregate classification (germline): Uncertain significance (1 of 4 stars; one submission).

Conditions:
Dilated cardiomyopathy 1O (CMD1O). Also called: CARDIOMYOPATHY, DILATED, WITH VENTRICULAR TACHYCARDIA. Identifiers: Orphanet 154, MedGen C1837839, MONDO:0012062, OMIM 608569.

Submission:

Labcorp Genetics (formerly Invitae), Labcorp
Classification: Uncertain significance for Dilated cardiomyopathy 1O. Last evaluated: 2023-12-15. Review status: criteria provided, single submitter. Criteria: Invitae Variant Classification Sherloc (09022015). Collection method: clinical testing. Allele origin: germline.
Comment: This sequence change replaces serine, which is neutral and polar, with cysteine, which is neutral and slightly polar, at codon 517 of the ABCC9 protein (p.Ser517Cys). This variant is not present in population databases (gnomAD no frequency). This variant has not been reported in the literature in individuals affected with ABCC9-related conditions. Advanced modeling of protein sequence and biophysical properties (such as structural, functional, and spatial information, amino acid conservation, physicochemical variation, residue mobility, and thermodynamic stability) has been performed at Invitae for this missense variant, however the output from this modeling did not meet the statistical confidence thresholds required to predict the impact of this variant on ABCC9 protein function. In summary, the available evidence is currently insufficient to determine the role of this variant in disease. Therefore, it has been classified as a Variant of Uncertain Significance.